The following is an entry in ClinVar:

ClinVar aggregate classification (germline): Uncertain significance (1 of 4 stars; one submission).

Conditions:
Baller-Gerold syndrome (BGS). Also called: CRANIOSYNOSTOSIS WITH RADIAL DEFECTS. Identifiers: Orphanet 1225, MedGen C0265308, MONDO:0009039, OMIM 218600.

Submission:

Labcorp Genetics (formerly Invitae), Labcorp
Classification: Uncertain significance for Baller-Gerold syndrome. Last evaluated: 2025-09-10. Review status: criteria provided, single submitter. Criteria: Invitae Variant Classification Sherloc (09022015). Collection method: clinical testing. Allele origin: germline.
Comment: This sequence change replaces arginine, which is basic and polar, with tryptophan, which is neutral and slightly polar, at codon 859 of the RECQL4 protein (p.Arg859Trp). This variant is not present in population databases (gnomAD no frequency). This variant has not been reported in the literature in individuals affected with RECQL4-related conditions. Invitae Evidence Modeling of protein sequence and biophysical properties (such as structural, functional, and spatial information, amino acid conservation, physicochemical variation, residue mobility, and thermodynamic stability) indicates that this missense variant is not expected to disrupt RECQL4 protein function with a negative predictive value of 80%. In summary, the available evidence is currently insufficient to determine the role of this variant in disease. Therefore, it has been classified as a Variant of Uncertain Significance.

NM_004260.4(RECQL4):c.2575A>T (p.Arg859Trp)

Gene: RECQL4 (RecQ like helicase 4; minus strand). Cytogenetic location: 8q24.3.
Variant type: single nucleotide variant.
Coding change: c.2575A>T on transcript NM_004260.4 (MANE Select); coding-DNA position 2575, A replaced by T.
Protein change: p.Arg859Trp; replaces arginine 859 with tryptophan.
Molecular consequence: missense variant. On other transcripts: non-coding transcript variant (3).
Genome position (GRCh38, 1-based): chr8:144,513,027, T>A on the plus strand (A>T on the coding strand, the complement: RECQL4 is on the minus strand). VCF-style: chr8-144513027-T-A. GRCh37 (hg19) VCF-style: chr8-145738410-T-A.
Other names: c.1438A>T, p.Arg480Trp (NM_001413030.1, NM_001413032.1, NM_001413027.1 and 1 more transcripts); c.1306A>T, p.Arg436Trp (NM_001413031.1, NM_001413038.1); c.2443A>T, p.Arg815Trp (NM_001413033.1); c.1504A>T, p.Arg502Trp (NM_001413034.1, NM_001413035.1, NM_001413021.1 and 5 more transcripts); c.2575A>T, p.Arg859Trp (NM_001413036.1, NM_001413019.1); c.1372A>T, p.Arg458Trp (NM_001413037.1); c.2545A>T, p.Arg849Trp (NM_001413039.1); c.2281A>T, p.Arg761Trp (NM_001413017.1); and 6 more; short protein forms R370W, R436W, R480W, R816W, R827W, R761W, R815W, R859W.
Identifiers: ClinVar variation 4745336 (VCV004745336.1).